The following is an entry in ClinVar:

NM_000101.4(CYBA):c.281A>C (p.His94Pro)

Gene: CYBA (cytochrome b-245 alpha chain; minus strand). Cytogenetic location: 16q24.2.
Variant type: single nucleotide variant.
Coding change: c.281A>C on transcript NM_000101.4 (MANE Select); coding-DNA position 281, A replaced by C.
Protein change: p.His94Pro; replaces histidine 94 with proline.
Molecular consequence: missense variant.
Genome position (GRCh38, 1-based): chr16:88,646,761, T>G on the plus strand (A>C on the coding strand, the complement: CYBA is on the minus strand). VCF-style: chr16-88646761-T-G. GRCh37 (hg19) VCF-style: chr16-88713169-T-G.
Other names: short protein forms H94P.
Identifiers: ClinVar variation 1350348 (VCV001350348.6), dbSNP rs104894510, ClinGen allele CA397064187.

ClinVar aggregate classification (germline): Uncertain significance (1 of 4 stars; one submission).

Conditions:
Granulomatous disease, chronic, autosomal recessive, cytochrome b-negative. Also called: GRANULOMATOUS DISEASE, CHRONIC, AUTOSOMAL RECESSIVE, 4; Chronic granulomatous disease, autosomal, due to deficiency of CYBA; CGD DUE TO DEFICIENCY OF THE ALPHA SUBUNIT OF CYTOCHROME b; CGD, AUTOSOMAL RECESSIVE CYTOCHROME b-NEGATIVE; CYBA DEFICIENCY. Identifiers: Orphanet 379, MedGen C1856255, MONDO:0009308, OMIM 233690.

Submission:

Labcorp Genetics (formerly Invitae), Labcorp
Classification: Uncertain significance for Granulomatous disease, chronic, autosomal recessive, cytochrome b-negative. Last evaluated: 2021-09-17. Review status: criteria provided, single submitter. Criteria: Invitae Variant Classification Sherloc (09022015). Collection method: clinical testing. Allele origin: germline.
Comment: In summary, the available evidence is currently insufficient to determine the role of this variant in disease. Therefore, it has been classified as a Variant of Uncertain Significance. Algorithms developed to predict the effect of missense changes on protein structure and function are either unavailable or do not agree on the potential impact of this missense change (SIFT: "Deleterious"; PolyPhen-2: "Probably Damaging"; Align-GVGD: "Class C0"). This variant has not been reported in the literature in individuals affected with CYBA-related conditions. This variant is not present in population databases (ExAC no frequency). This sequence change replaces histidine with proline at codon 94 of the CYBA protein (p.His94Pro). The histidine residue is highly conserved and there is a moderate physicochemical difference between histidine and proline.